The following is an entry in ClinVar:

ClinVar aggregate classification (germline): Likely benign. Review status: criteria provided, multiple submitters, no conflicts (2 of 4 stars). 3 submissions from 3 submitters: Likely benign (2). 1 of the submissions does not count toward it. Last evaluated 2025-10-12.

Conditions:
CARMIL2-related disorder. Also called: CARMIL2-related condition.

Allele frequency attached by ClinVar (database versions not stated): ExAC 0.00004; gnomAD 0.00005; TOPMed 0.00005; gnomAD exomes 0.00006 and 0.00012; ESP Exome Variant Server 0.00008.
gnomAD v4.1: 174 of 1,568,648 alleles (0.011%); highest among the groups gnomAD compares: Non-Finnish European, 0.014%; no homozygotes.

Submissions (3):

Labcorp Genetics (formerly Invitae), Labcorp
Classification: Likely benign. Last evaluated: 2025-10-12. Review status: criteria provided, single submitter. Criteria: Invitae Variant Classification Sherloc (09022015). Collection method: clinical testing. Allele origin: germline.

Blueprint Genetics
Classification: Likely benign. Last evaluated: 2022-04-08. Review status: criteria provided, single submitter. Criteria: ACMG Guidelines, 2015. Collection method: clinical testing. Allele origin: germline.

PreventionGenetics, part of Exact Sciences
Classification: Likely benign for CARMIL2-related condition. Last evaluated: 2023-10-12. Review status: no assertion criteria provided. Collection method: clinical testing. Allele origin: germline. Not counted in ClinVar's aggregate classification.
Comment: This variant is classified as likely benign based on ACMG/AMP sequence variant interpretation guidelines (Richards et al. 2015 PMID: 25741868, with internal and published modifications).

NM_001013838.3(CARMIL2):c.3165C>T (p.Arg1055=)

Gene: CARMIL2 (capping protein regulator and myosin 1 linker 2; plus strand). Cytogenetic location: 16q22.1.
Variant type: single nucleotide variant.
Coding change: c.3165C>T on transcript NM_001013838.3 (MANE Select); coding-DNA position 3165, C replaced by T.
Protein change: p.Arg1055=; no amino-acid change (arginine 1055 retained).
Molecular consequence: synonymous variant.
Genome position (GRCh38, 1-based): chr16:67,654,193, C>T. VCF-style: chr16-67654193-C-T. GRCh37 (hg19) VCF-style: chr16-67688096-C-T.
Other names: c.3165C>T (NM_001013838.1); c.3057C>T, p.Arg1019= (NM_001317026.3).
Identifiers: ClinVar variation 1665921 (VCV001665921.12), dbSNP rs375871517, ClinGen allele CA8113957.